The following is an entry in ClinVar:

NM_176787.5(PIGN):c.212C>T (p.Pro71Leu)

Gene: PIGN (phosphatidylinositol glycan anchor biosynthesis class N; minus strand). Cytogenetic location: 18q21.33.
Variant type: single nucleotide variant.
Coding change: c.212C>T on transcript NM_176787.5 (MANE Select); coding-DNA position 212, C replaced by T.
Protein change: p.Pro71Leu; replaces proline 71 with leucine.
Molecular consequence: missense variant.
Genome position (GRCh38, 1-based): chr18:62,161,142, G>A on the plus strand (C>T on the coding strand, the complement: PIGN is on the minus strand). VCF-style: chr18-62161142-G-A. GRCh37 (hg19) VCF-style: chr18-59828375-G-A.
Other names: c.212C>T, p.Pro71Leu (NM_012327.6); short protein forms P71L.
Identifiers: ClinVar variation 1310251 (VCV001310251.10), dbSNP rs753014750, ClinGen allele CA8982644.

ClinVar aggregate classification (germline): Uncertain significance. Review status: criteria provided, multiple submitters, no conflicts (2 of 4 stars). 3 submissions from 3 submitters: Uncertain significance (3). Last evaluated 2025-10-01.

Conditions:
Inborn genetic diseases. Identifiers: MedGen C0950123, MeSH D030342.
Multiple congenital anomalies-hypotonia-seizures syndrome 1 (MCAHS1). Also called: PIGN-CDG; Congenital disorder of glycosylation due to PIGN deficiency; GLYCOSYLPHOSPHATIDYLINOSITOL BIOSYNTHESIS DEFECT 3. Identifiers: Orphanet 280633, MedGen C3279775, MONDO:0013563, OMIM 614080.

Allele frequency attached by ClinVar (database versions not stated): ExAC 0.00001; gnomAD exomes below 0.00001 and 0.00001; gnomAD 0.00001; TOPMed 0.00003.
gnomAD v4.1: 19 of 1,604,948 alleles (0.0012%); highest among the groups gnomAD compares: African/African-American, 0.0027%; no homozygotes.

Submissions (3):

Labcorp Genetics (formerly Invitae), Labcorp
Classification: Uncertain significance for Multiple congenital anomalies-hypotonia-seizures syndrome 1. Last evaluated: 2025-10-01. Review status: criteria provided, single submitter. Criteria: Invitae Variant Classification Sherloc (09022015). Collection method: clinical testing. Allele origin: germline.
Comment: This sequence change replaces proline, which is neutral and non-polar, with leucine, which is neutral and non-polar, at codon 71 of the PIGN protein (p.Pro71Leu). This variant is present in population databases (rs753014750, gnomAD 0.003%). This variant has not been reported in the literature in individuals affected with PIGN-related conditions. ClinVar contains an entry for this variant (Variation ID: 1310251). Invitae Evidence Modeling of protein sequence and biophysical properties (such as structural, functional, and spatial information, amino acid conservation, physicochemical variation, residue mobility, and thermodynamic stability) indicates that this missense variant is expected to disrupt PIGN protein function with a positive predictive value of 80%. In summary, the available evidence is currently insufficient to determine the role of this variant in disease. Therefore, it has been classified as a Variant of Uncertain Significance.

Ambry Genetics
Classification: Uncertain significance for Inborn genetic diseases. Last evaluated: 2024-09-27. Review status: criteria provided, single submitter. Criteria: Ambry Variant Classification Scheme 2023. Collection method: clinical testing. Allele origin: germline.

GeneDx
Classification: Uncertain significance. Last evaluated: 2024-04-22. Review status: criteria provided, single submitter. Criteria: GeneDx Variant Classification Process June 2021. Collection method: clinical testing. Allele origin: germline. Affected: yes.
Comment: Not observed at significant frequency in large population cohorts (gnomAD); In silico analysis supports that this missense variant has a deleterious effect on protein structure/function; Has not been previously published as pathogenic or benign to our knowledge